The following is an entry in ClinVar:

ClinVar aggregate classification (germline): Uncertain significance. Review status: criteria provided, multiple submitters, no conflicts (2 of 4 stars). 2 submissions from 2 submitters: Uncertain significance (2). Last evaluated 2025-11-19.

Conditions:
ITGAM-related disorder. Also called: ITGAM-related condition.

Submissions (2):

Labcorp Genetics (formerly Invitae), Labcorp
Classification: Uncertain significance. Last evaluated: 2025-11-19. Review status: criteria provided, single submitter. Criteria: Invitae Variant Classification Sherloc (09022015). Collection method: clinical testing. Allele origin: germline.
Comment: This sequence change falls in intron 7 of the ITGAM gene. It does not directly change the encoded amino acid sequence of the ITGAM protein. It affects a nucleotide within the consensus splice site. This variant is not present in population databases (gnomAD no frequency). This variant has not been reported in the literature in individuals affected with ITGAM-related conditions. ClinVar contains an entry for this variant (Variation ID: 2630050). Variants that disrupt the consensus splice site are a relatively common cause of aberrant splicing (PMID: 17576681, 9536098). Algorithms developed to predict the effect of sequence changes on RNA splicing suggest that this variant may disrupt the consensus splice site. In summary, the available evidence is currently insufficient to determine the role of this variant in disease. Therefore, it has been classified as a Variant of Uncertain Significance.

PreventionGenetics, part of Exact Sciences
Classification: Uncertain significance for ITGAM-related condition. Last evaluated: 2022-12-29. Review status: criteria provided, single submitter. Criteria: ACMG Guidelines, 2015. Collection method: clinical testing. Allele origin: germline.
Comment: The ITGAM c.704+5G>A variant is predicted to interfere with splicing. However, such computer prediction programs are imperfect. To our knowledge, this variant has not been reported in the literature or in a large population database, indicating this variant is rare. Of note, splicing variants in ITGAM have not commonly been reported in the literature. At this time, the clinical significance of this variant is uncertain due to the absence of conclusive functional and genetic evidence.

Literature cited by the submitters: PubMed 17576681 (cited by Labcorp Genetics (formerly Invitae), Labcorp); PubMed 9536098 (cited by Labcorp Genetics (formerly Invitae), Labcorp).

NM_000632.4(ITGAM):c.704+5G>A

Gene: ITGAM (integrin subunit alpha M; plus strand). Cytogenetic location: 16p11.2.
Variant type: single nucleotide variant.
Coding change: c.704+5G>A on transcript NM_000632.4 (MANE Select); 5 bases into the intron after coding-DNA position 704, G replaced by A.
Molecular consequence: intron variant.
Genome position (GRCh38, 1-based): chr16:31,271,997, G>A. VCF-style: chr16-31271997-G-A. GRCh37 (hg19) VCF-style: chr16-31283318-G-A.
Other names: c.704+5G>A (NM_001145808.2).
Identifiers: ClinVar variation 2630050 (VCV002630050.2), dbSNP rs2544382485, ClinGen allele CA2695197639.